The following is an entry in ClinVar:

NM_000071.3(CBS):c.671G>A (p.Arg224His)

Gene: CBS (cystathionine beta-synthase; minus strand). Cytogenetic location: 21q22.3.
Variant type: single nucleotide variant.
Coding change: c.671G>A on transcript NM_000071.3 (MANE Select); coding-DNA position 671, G replaced by A.
Protein change: p.Arg224His; replaces arginine 224 with histidine.
Molecular consequence: missense variant.
Genome position (GRCh38, 1-based): chr21:43,065,268, C>T on the plus strand (G>A on the coding strand, the complement: CBS is on the minus strand). VCF-style: chr21-43065268-C-T. GRCh37 (hg19) VCF-style: chr21-44485378-C-T.
Other names: c.671G>A, p.Arg224His (NM_001178008.3, NM_001178009.3, NM_001320298.2); c.356G>A, p.Arg119His (NM_001321072.1); short protein forms R119H, R224H.
Identifiers: ClinVar variation 2153169 (VCV002153169.3), dbSNP rs761647392, ClinGen allele CA321095515.

ClinVar aggregate classification (germline): Uncertain significance. Review status: criteria provided, multiple submitters, no conflicts (2 of 4 stars). 2 submissions from 2 submitters: Uncertain significance (2). Last evaluated 2025-01-28.

Conditions:
HYPERHOMOCYSTEINEMIA, THROMBOTIC, CBS-RELATED. Identifiers: MedGen C3150344, OMIM 236200.

Allele frequency attached by ClinVar (database versions not stated): TOPMed below 0.00001; ExAC 0.00002.

Submissions (2):

Women's Health and Genetics/Laboratory Corporation of America, LabCorp
Classification: Uncertain significance. Last evaluated: 2025-01-28. Review status: criteria provided, single submitter. Criteria: LabCorp Variant Classification Summary - May 2015. Collection method: clinical testing. Allele origin: germline.
Comment: Variant summary: CBS c.671G>A (p.Arg224His) results in a non-conservative amino acid change in the encoded protein sequence. Three of five in-silico tools predict a damaging effect of the variant on protein function. The variant allele was found at a frequency of 8e-06 in 251354 control chromosomes. To our knowledge, no occurrence of c.671G>A in individuals affected with Homocystinuria has been reported. At least one publication reports experimental evidence evaluating an impact on protein function. The results show that this variant affects protein function (Mayfield_2012, Singh_2010). The following publications have been ascertained in the context of this evaluation (PMID: 22267502, 20066033). ClinVar contains an entry for this variant (Variation ID: 2153169). Based on the evidence outlined above, the variant was classified as VUS-possibly pathogenic.

Labcorp Genetics (formerly Invitae), Labcorp
Classification: Uncertain significance for HYPERHOMOCYSTEINEMIA, THROMBOTIC, CBS-RELATED. Last evaluated: 2022-08-22. Review status: criteria provided, single submitter. Criteria: Invitae Variant Classification Sherloc (09022015). Collection method: clinical testing. Allele origin: germline.
Comment: This sequence change replaces arginine, which is basic and polar, with histidine, which is basic and polar, at codon 224 of the CBS protein (p.Arg224His). This variant is present in population databases (rs761647392, gnomAD 0.003%). This variant has not been reported in the literature in individuals affected with CBS-related conditions. Algorithms developed to predict the effect of missense changes on protein structure and function are either unavailable or do not agree on the potential impact of this missense change (SIFT: "Tolerated"; PolyPhen-2: "Possibly Damaging"; Align-GVGD: "Class C0"). Experimental studies have shown that this missense change affects CBS function (PMID: 20066033, 22267502). In summary, the available evidence is currently insufficient to determine the role of this variant in disease. Therefore, it has been classified as a Variant of Uncertain Significance.

Literature cited by the submitters: PubMed 22267502 (cited by Women's Health and Genetics/Laboratory Corporation of America, LabCorp and Labcorp Genetics (formerly Invitae), Labcorp); PubMed 20066033 (cited by Women's Health and Genetics/Laboratory Corporation of America, LabCorp and Labcorp Genetics (formerly Invitae), Labcorp).